The following is an entry in ClinVar:

ClinVar aggregate classification (germline): Likely pathogenic. Review status: criteria provided, multiple submitters, no conflicts (2 of 4 stars). 2 submissions from 2 submitters: Likely pathogenic (2). Last evaluated 2025-05-16.

Conditions:
Hyperammonemia, type III (NAGSD). Also called: Hyperammonemia due to N-acetylglutamate synthase deficiency. Identifiers: Orphanet 927, MedGen C0268543, MONDO:0009377, OMIM 237310.

Submissions (2):

Natera, Inc.
Classification: Likely pathogenic for Hyperammonemia type III. Last evaluated: 2025-05-16. Review status: criteria provided, single submitter. Criteria: Natera Variant Classification Schema (03/2026). Collection method: clinical testing. Allele origin: germline.
Comment: The c.915+2_915+6del variant in NAGS is a canonical splice donor site variant predicted to affect pre-mRNA splicing, which may result in an abnormal transcript and altered protein product. This variant is expected to result in nonsense mediated decay, truncation, or a dysfunctional protein product. This variant is rare in the general population with a frequency below the threshold expected for the associated phenotype(s). Given the available evidence, this variant is classified as Likely Pathogenic.

Fulgent Genetics
Classification: Likely pathogenic for Hyperammonemia, type III. Last evaluated: 2024-06-12. Review status: criteria provided, single submitter. Criteria: ACMG Guidelines, 2015. Collection method: clinical testing. Allele origin: germline.

NM_153006.3(NAGS):c.915+2_915+6del

Gene: NAGS (N-acetylglutamate synthase; plus strand). Cytogenetic location: 17q21.31.
Variant type: Deletion.
Coding change: c.915+2_915+6del on transcript NM_153006.3 (MANE Select); the canonical splice donor site of the intron after coding-DNA position 915 through 6 bases into the intron after coding-DNA position 915, 5 bases deleted (TGCGG; older notation c.915+2_915+6delTGCGG).
Molecular consequence: splice donor variant.
Genome position (GRCh38, 1-based): chr17:44,006,239-44,006,243, TGCGG deleted; deleting any 5 consecutive bases within chr17:44,006,237-44,006,243 gives the same sequence; the c. name uses the placement nearest the transcript's 3' end. VCF-style (leftmost placement, unchanged base first): chr17-44006236-AGGTGC-A. GRCh37 (hg19) VCF-style: chr17-42083604-AGGTGC-A.
Other names: c.915+2_915+6del (NM_153006.2).
Identifiers: ClinVar variation 3582087 (VCV003582087.3).